The following is an entry in ClinVar:

ClinVar aggregate classification (germline): Uncertain significance. Review status: criteria provided, multiple submitters, no conflicts (2 of 4 stars). 5 submissions from 5 submitters: Uncertain significance (4). 1 of the submissions does not count toward it. Last evaluated 2025-07-31.

Conditions:
Fanconi anemia (FA). Also called: Fanconi's anemia. Identifiers: Orphanet 84, MedGen C0015625, MeSH D005199, MONDO:0019391.
FANCD2-related disorder. Also called: FANCD2-related condition.
Inborn genetic diseases. Identifiers: MedGen C0950123, MeSH D030342.
Fanconi anemia complementation group D2. Also called: FANCD2-Related Fanconi Anemia; FANCONI PANCYTOPENIA, TYPE 4; FANCONI ANEMIA, COMPLEMENTATION GROUP D. Identifiers: Orphanet 84, MedGen C3160738, MONDO:0009214, OMIM 227646.

Allele frequency attached by ClinVar (database versions not stated): gnomAD exomes 0.00002 and 0.00005; gnomAD 0.00004 and 0.00003; ExAC 0.00005; TOPMed 0.00002.
gnomAD v4.1: 33 of 1,613,670 alleles (0.002%); highest among the groups gnomAD compares: East Asian, 0.011%; no homozygotes.

Submissions (5):

Labcorp Genetics (formerly Invitae), Labcorp
Classification: Uncertain significance for Fanconi anemia. Last evaluated: 2025-07-31. Review status: criteria provided, single submitter. Criteria: Invitae Variant Classification Sherloc (09022015). Collection method: clinical testing. Allele origin: germline.
Comment: This sequence change replaces arginine, which is basic and polar, with histidine, which is basic and polar, at codon 1299 of the FANCD2 protein (p.Arg1299His). The frequency data for this variant in the population databases is considered unreliable, as metrics indicate poor data quality at this position in the gnomAD database. This variant has not been reported in the literature in individuals affected with FANCD2-related conditions. ClinVar contains an entry for this variant (Variation ID: 1021428). Invitae Evidence Modeling of protein sequence and biophysical properties (such as structural, functional, and spatial information, amino acid conservation, physicochemical variation, residue mobility, and thermodynamic stability) indicates that this missense variant is not expected to disrupt FANCD2 protein function with a negative predictive value of 80%. In summary, the available evidence is currently insufficient to determine the role of this variant in disease. Therefore, it has been classified as a Variant of Uncertain Significance.

Fulgent Genetics
Classification: Uncertain significance for Fanconi anemia complementation group D2. Last evaluated: 2022-03-12. Review status: criteria provided, single submitter. Criteria: ACMG Guidelines, 2015. Collection method: clinical testing. Allele origin: unknown.

Blueprint Genetics
Classification: Uncertain significance. Last evaluated: 2022-02-10. Review status: criteria provided, single submitter. Criteria: ACMG Guidelines, 2015. Collection method: clinical testing. Allele origin: germline.

Ambry Genetics
Classification: Uncertain significance for Inborn genetic diseases. Last evaluated: 2021-09-27. Review status: criteria provided, single submitter. Criteria: Ambry Variant Classification Scheme 2023. Collection method: clinical testing. Allele origin: germline.

PreventionGenetics, part of Exact Sciences
Classification: Uncertain significance for FANCD2-related condition. Last evaluated: 2024-04-02. Review status: no assertion criteria provided. Collection method: clinical testing. Allele origin: germline. Not counted in ClinVar's aggregate classification.
Comment: The FANCD2 c.3896G>A variant is predicted to result in the amino acid substitution p.Arg1299His. To our knowledge, this variant has not been reported in the literature. This variant is reported in 0.030% of alleles in individuals of East Asian descent in gnomAD. At this time, the clinical significance of this variant is uncertain due to the absence of conclusive functional and genetic evidence.

NM_001018115.3(FANCD2):c.3896G>A (p.Arg1299His)

Genes: FANCD2 (FA complementation group D2; plus strand), FANCD2OS (FANCD2 opposite strand; minus strand). Cytogenetic location: 3p25.3.
Variant type: single nucleotide variant.
Coding change: c.3896G>A on transcript NM_001018115.3 (MANE Select); coding-DNA position 3896, G replaced by A.
Protein change: p.Arg1299His; replaces arginine 1299 with histidine.
Molecular consequence: missense variant. On other transcripts: intron variant (1).
Genome position (GRCh38, 1-based): chr3:10,094,296, G>A. VCF-style: chr3-10094296-G-A. GRCh37 (hg19) VCF-style: chr3-10135980-G-A.
Other names: c.3896G>A, p.Arg1299His (NM_001319984.2, NM_033084.6); c.3785G>A, p.Arg1262His (NM_001374253.1); c.3857G>A, p.Arg1286His (NM_001374254.1); c.*43+9902C>T (NM_173472.2); short protein forms R1262H, R1286H, R1299H.
Identifiers: ClinVar variation 1021428 (VCV001021428.50), dbSNP rs781701459, ClinGen allele CA2250566.
Genomic context (GRCh38, chr3:10,094,296, plus strand): 5'-GCCTTTCAGTGAGATACCTCAGCTAGAGGTAACAGTGTGTCTCTCTTCTTCAGTATGGGC[G>A]TCTCTTTGTGGAAGCATTTCTGAAGCAATGTATGCCGCTCCTAGACTTCAGTTTTAGAAA-3'
Protein context (NP_001018125.1, residues 1289-1309): PVLHVCLKYG[Arg1299His]LFVEAFLKQC